The following is an entry in ClinVar:

NM_022489.4(INF2):c.1474C>T (p.Pro492Ser)

Gene: INF2 (inverted formin 2; plus strand). Cytogenetic location: 14q32.33.
Variant type: single nucleotide variant.
Coding change: c.1474C>T on transcript NM_022489.4 (MANE Select); coding-DNA position 1474, C replaced by T.
Protein change: p.Pro492Ser; replaces proline 492 with serine.
Molecular consequence: missense variant.
Genome position (GRCh38, 1-based): chr14:104,707,741, C>T. VCF-style: chr14-104707741-C-T. GRCh37 (hg19) VCF-style: chr14-105174078-C-T.
Other names: c.1474C>T, p.Pro492Ser (NM_001031714.4, NM_001426862.1, NM_001426863.1 and 2 more transcripts); short protein forms P492S.
Identifiers: ClinVar variation 2944964 (VCV002944964.3), dbSNP rs2541920823, ClinGen allele CA391217175.
Genomic context (GRCh38, chr14:104,707,741, plus strand): 5'-CCAGCACCTCCTCTACCACCACCCCTGCCAGGCTCCTGTGAGTTCCTGCCCCCACCACCT[C>T]CACCACTCCCGGGCTTGGGATGCCCGCCCCCACCCCCACCCCTGCTGCCTGGTATGGGCT-3'
Protein context (NP_071934.3, residues 482-502): GSCEFLPPPP[Pro492Ser]PLPGLGCPPP

ClinVar aggregate classification (germline): Uncertain significance (1 of 4 stars; one submission).

Conditions:
Charcot-Marie-Tooth disease dominant intermediate E. Also called: CHARCOT-MARIE-TOOTH NEUROPATHY WITH FOCAL SEGMENTAL GLOMERULONEPHRITIS. Identifiers: Orphanet 93114, MedGen C4302667, MONDO:0013758, OMIM 614455.
Focal segmental glomerulosclerosis 5 (FSGS5). Identifiers: Orphanet 656, MedGen C2750475, MONDO:0013191, OMIM 613237.

Submission:

Labcorp Genetics (formerly Invitae), Labcorp
Classification: Uncertain significance for Charcot-Marie-Tooth disease dominant intermediate E; Focal segmental glomerulosclerosis 5. Last evaluated: 2023-03-08. Review status: criteria provided, single submitter. Criteria: Invitae Variant Classification Sherloc (09022015). Collection method: clinical testing. Allele origin: germline.
Comment: This sequence change replaces proline, which is neutral and non-polar, with serine, which is neutral and polar, at codon 492 of the INF2 protein (p.Pro492Ser). In summary, the available evidence is currently insufficient to determine the role of this variant in disease. Therefore, it has been classified as a Variant of Uncertain Significance. Advanced modeling of protein sequence and biophysical properties (such as structural, functional, and spatial information, amino acid conservation, physicochemical variation, residue mobility, and thermodynamic stability) has been performed at Invitae for this missense variant, however the output from this modeling did not meet the statistical confidence thresholds required to predict the impact of this variant on INF2 protein function. This variant has not been reported in the literature in individuals affected with INF2-related conditions. This variant is not present in population databases (gnomAD no frequency).